The following is an entry in ClinVar:

NM_000088.4(COL1A1):c.3928A>T (p.Lys1310Ter)

Gene: COL1A1 (collagen type I alpha 1 chain; minus strand). Cytogenetic location: 17q21.33.
Variant type: single nucleotide variant.
Coding change: c.3928A>T on transcript NM_000088.4 (MANE Select); coding-DNA position 3928, A replaced by T.
Protein change: p.Lys1310Ter; replaces lysine 1310 with a stop codon.
Molecular consequence: nonsense.
Genome position (GRCh38, 1-based): chr17:50,186,394, T>A on the plus strand (A>T on the coding strand, the complement: COL1A1 is on the minus strand). VCF-style: chr17-50186394-T-A. GRCh37 (hg19) VCF-style: chr17-48263755-T-A.
Other names: short protein forms K1310*.
Identifiers: ClinVar variation 2700556 (VCV002700556.3), dbSNP rs2509160384, ClinGen allele CA400193430.

ClinVar aggregate classification (germline): Pathogenic (1 of 4 stars; one submission).

Conditions:
Osteogenesis imperfecta type I (OI1). Also called: Lobstein's Disease; Lobstein disease; OI, TYPE I; OSTEOGENESIS IMPERFECTA TARDA; OSTEOGENESIS IMPERFECTA WITH BLUE SCLERAE; Osteogenesis imperfecta type 1. Identifiers: Orphanet 216796, Orphanet 666, MedGen C0023931, MONDO:0008146, OMIM 166200. Disease mechanism: loss of function.

Submission:

Labcorp Genetics (formerly Invitae), Labcorp
Classification: Pathogenic for Osteogenesis imperfecta type I. Last evaluated: 2023-12-02. Review status: criteria provided, single submitter. Criteria: Invitae Variant Classification Sherloc (09022015). Collection method: clinical testing. Allele origin: germline.
Comment: This sequence change creates a premature translational stop signal (p.Lys1310*) in the COL1A1 gene. It is expected to result in an absent or disrupted protein product. Loss-of-function variants in COL1A1 are known to be pathogenic (PMID: 7942841, 9295084, 9443882). This variant is not present in population databases (gnomAD no frequency). This variant has not been reported in the literature in individuals affected with COL1A1-related conditions. For these reasons, this variant has been classified as Pathogenic.

Literature cited by the submitters: PubMed 7942841; PubMed 9295084; PubMed 9443882.